The following is an entry in ClinVar:

NM_000660.7(TGFB1):c.1014+4C>T

Gene: TGFB1 (transforming growth factor beta 1; minus strand). Cytogenetic location: 19q13.2.
Variant type: single nucleotide variant.
Coding change: c.1014+4C>T on transcript NM_000660.7 (MANE Select); 4 bases into the intron after coding-DNA position 1014, C replaced by T.
Molecular consequence: intron variant.
Genome position (GRCh38, 1-based): chr19:41,332,124, G>A on the plus strand (C>T on the coding strand, the complement: TGFB1 is on the minus strand). VCF-style: chr19-41332124-G-A. GRCh37 (hg19) VCF-style: chr19-41838029-G-A.
Identifiers: ClinVar variation 1510573 (VCV001510573.6), dbSNP rs1393172932, ClinGen allele CA633470143.
Genomic context (GRCh38, chr19:41,332,124, plus strand): 5'-CTCTCCTCTTCCTCCGTCCTGGCTCCCCCCAAGCGCATCTCGTAGCCCGGTGGGCCAGAC[G>A]TACCTTGCTGTACTGCGTGTCCAGGCTCCAAATGTAGGGGCAGGGCCCGAGGCAGAAGTT-3'

ClinVar aggregate classification (germline): Uncertain significance (1 of 4 stars; one submission).

Allele frequency attached by ClinVar (database versions not stated): gnomAD exomes 0.00001.
gnomAD v4.1: 8 of 1,609,930 alleles (0.0005%); highest among the groups gnomAD compares: South Asian, 0.0044%; no homozygotes.

Submission:

Labcorp Genetics (formerly Invitae), Labcorp
Classification: Uncertain significance. Last evaluated: 2023-10-14. Review status: criteria provided, single submitter. Criteria: Invitae Variant Classification Sherloc (09022015). Collection method: clinical testing. Allele origin: germline.
Comment: This sequence change falls in intron 6 of the TGFB1 gene. It does not directly change the encoded amino acid sequence of the TGFB1 protein. It affects a nucleotide within the consensus splice site. This variant is present in population databases (no rsID available, gnomAD 0.01%). This variant has not been reported in the literature in individuals affected with TGFB1-related conditions. ClinVar contains an entry for this variant (Variation ID: 1510573). Variants that disrupt the consensus splice site are a relatively common cause of aberrant splicing (PMID: 17576681, 9536098). Algorithms developed to predict the effect of sequence changes on RNA splicing suggest that this variant is not likely to affect RNA splicing. In summary, the available evidence is currently insufficient to determine the role of this variant in disease. Therefore, it has been classified as a Variant of Uncertain Significance.

Literature cited by the submitters: PubMed 17576681; PubMed 9536098.